The following is an entry in ClinVar:

NM_001349253.2(SCN11A):c.4858G>A (p.Glu1620Lys)

Gene: SCN11A (sodium voltage-gated channel alpha subunit 11; minus strand). Cytogenetic location: 3p22.2.
Variant type: single nucleotide variant.
Coding change: c.4858G>A on transcript NM_001349253.2 (MANE Select); coding-DNA position 4858, G replaced by A.
Protein change: p.Glu1620Lys; replaces glutamic acid 1620 with lysine.
Molecular consequence: missense variant.
Genome position (GRCh38, 1-based): chr3:38,847,212, C>T on the plus strand (G>A on the coding strand, the complement: SCN11A is on the minus strand). VCF-style: chr3-38847212-C-T. GRCh37 (hg19) VCF-style: chr3-38888703-C-T.
Other names: c.4858G>A, p.Glu1620Lys (NM_014139.3); short protein forms E1620K.
Identifiers: ClinVar variation 1743606 (VCV001743606.5), dbSNP rs1250213813, ClinGen allele CA352162263.
Genomic context (GRCh38, chr3:38,847,212, plus strand): 5'-ATTGTGTTGCTTCTGGGTCAAACTTTTCCCACACTTCATAAAATATGTCAAAGTCATCTT[C>T]ACCCAAAGGGTCCTCACTTTCTTCAGTGGCTGTATTGAAGTTCTCTAAAATCACAGCAAT-3'
Protein context (NP_001336182.1, residues 1610-1630): ATEESEDPLG[Glu1620Lys]DDFDIFYEVW

ClinVar aggregate classification (germline): Uncertain significance. Review status: criteria provided, multiple submitters, no conflicts (2 of 4 stars). 2 submissions from 2 submitters: Uncertain significance (2). Last evaluated 2023-12-03.

Conditions:
Hereditary sensory and autonomic neuropathy type 7. Also called: Neuropathy, hereditary sensory and autonomic, type VII; HSAN VII. Identifiers: Orphanet 391397, MedGen C3809882, MONDO:0014244, OMIM 615548.
Familial episodic pain syndrome with predominantly lower limb involvement. Also called: Episodic pain syndrome, familial, 3. Identifiers: Orphanet 391384, Orphanet 391392, MedGen C3809899, MONDO:0014247, OMIM 615552.
Inborn genetic diseases. Identifiers: MedGen C0950123, MeSH D030342.

Allele frequency attached by ClinVar (database versions not stated): TOPMed below 0.00001; gnomAD exomes 0.00001.
gnomAD v4.1: 10 of 1,614,056 alleles (0.00062%); highest among the groups gnomAD compares: Non-Finnish European, 0.00085%; no homozygotes.

Submissions (2):

Labcorp Genetics (formerly Invitae), Labcorp
Classification: Uncertain significance for Familial episodic pain syndrome with predominantly lower limb involvement; Hereditary sensory and autonomic neuropathy type 7. Last evaluated: 2023-12-03. Review status: criteria provided, single submitter. Criteria: Invitae Variant Classification Sherloc (09022015). Collection method: clinical testing. Allele origin: germline.
Comment: This sequence change replaces glutamic acid, which is acidic and polar, with lysine, which is basic and polar, at codon 1620 of the SCN11A protein (p.Glu1620Lys). This variant is not present in population databases (gnomAD no frequency). This variant has not been reported in the literature in individuals affected with SCN11A-related conditions. ClinVar contains an entry for this variant (Variation ID: 1743606). Advanced modeling of protein sequence and biophysical properties (such as structural, functional, and spatial information, amino acid conservation, physicochemical variation, residue mobility, and thermodynamic stability) performed at Invitae indicates that this missense variant is expected to disrupt SCN11A protein function with a positive predictive value of 80%. In summary, the available evidence is currently insufficient to determine the role of this variant in disease. Therefore, it has been classified as a Variant of Uncertain Significance.

Ambry Genetics
Classification: Uncertain significance for Inborn genetic diseases. Last evaluated: 2022-04-25. Review status: criteria provided, single submitter. Criteria: Ambry Variant Classification Scheme 2023. Collection method: clinical testing. Allele origin: germline.
Comment: The p.E1620K variant (also known as c.4858G>A), located in coding exon 26 of the SCN11A gene, results from a G to A substitution at nucleotide position 4858. The glutamic acid at codon 1620 is replaced by lysine, an amino acid with similar properties. This amino acid position is conserved. In addition, the in silico prediction for this alteration is inconclusive. Since supporting evidence is limited at this time, the clinical significance of this alteration remains unclear.